The following is an entry in ClinVar:

NM_000548.5(TSC2):c.3841_3853del (p.Ser1281fs)

Gene: TSC2 (TSC complex subunit 2; plus strand). Cytogenetic location: 16p13.3.
Variant type: Deletion.
Coding change: c.3841_3853del on transcript NM_000548.5 (MANE Select); coding-DNA positions 3841 to 3853, 13 bases deleted (TCCAGCTGCCAAG).
Protein change: p.Ser1281fs; shifts the reading frame from serine 1281.
Molecular consequence: frameshift variant. On other transcripts: intron variant (6).
Genome position (GRCh38, 1-based): chr16:2,082,462-2,082,474, TCCAGCTGCCAAG deleted; deleting any 13 consecutive bases within chr16:2,082,460-2,082,474 gives the same sequence; the c. name uses the placement nearest the transcript's 3' end. VCF-style (leftmost placement, unchanged base first): chr16-2082459-CAGTCCAGCTGCCA-C. GRCh37 (hg19) VCF-style: chr16-2132460-CAGTCCAGCTGCCA-C.
Other names: c.3109_3121del, p.Ser1037fs (NM_001318831.2); c.3709_3721del, p.Ser1237fs (NM_001370404.1); c.3712_3724del, p.Ser1238fs (NM_001370405.1, NM_021055.3); c.3814+664_3814+676del (NM_001114382.3); c.3685+664_3685+676del (NM_001363528.2); c.3682+664_3682+676del (NM_001077183.3); c.3574+664_3574+676del (NM_001318827.2); c.3538+664_3538+676del (NM_001318829.2); and 1 more; short protein forms S1238fs, S1281fs, S1037fs, S1237fs.
Identifiers: ClinVar variation 207792 (VCV000207792.1), dbSNP rs796053518, ClinGen allele CA319608.

ClinVar aggregate classification (germline): Pathogenic (1 of 4 stars; one submission).

Submission:

GeneDx
Classification: Pathogenic. Last evaluated: 2014-09-16. Review status: criteria provided, single submitter. Criteria: GeneDx Variant Classification (06012015). Collection method: clinical testing. Allele origin: germline. Affected: yes.
Comment: c.3841_3853delTCCAGCTGCCAAG: p.Ser1281AspfsX40 (S1281DfsX40) in exon 32 of the TSC2 gene (NM_000548.3) The normal sequence with the bases that are deleted in braces is: CCAG{TCCAGCTGCCAAG}GACA.The c.3841_3853delTCCAGCTGCCAAG mutation in the TSC2 gene causes a frameshift starting with codon Serine 1281, changes this amino acid to an Aspartic acid residue and creates a premature Stop codon at position 40 of the new reading frame, denoted p.Ser1281AspfsX40. This mutation is predicted to cause loss of normal protein function either through protein truncation or nonsense-mediated mRNA decay. Although this mutation has not been previously reported to our knowledge, other loss-of-function mutations have been reported in the TSC2 gene in association with TSC (TSC2 LOVD). The variant is found in INFANT-EPI panel(s).